The following is an entry in ClinVar:

NM_015466.4(PTPN23):c.1185C>A (p.Asp395Glu)

Gene: PTPN23 (protein tyrosine phosphatase non-receptor type 23; plus strand). Cytogenetic location: 3p21.31.
Variant type: single nucleotide variant.
Coding change: c.1185C>A on transcript NM_015466.4 (MANE Select); coding-DNA position 1185, C replaced by A.
Protein change: p.Asp395Glu; replaces aspartic acid 395 with glutamic acid.
Molecular consequence: missense variant.
Genome position (GRCh38, 1-based): chr3:47,408,345, C>A. VCF-style: chr3-47408345-C-A. GRCh37 (hg19) VCF-style: chr3-47449835-C-A.
Other names: c.807C>A, p.Asp269Glu (NM_001304482.2); short protein forms D269E, D395E.
Identifiers: ClinVar variation 3359733 (VCV003359733.1).

ClinVar aggregate classification (germline): Uncertain significance (1 of 4 stars; one submission).

Submission:

GeneDx
Classification: Uncertain significance. Last evaluated: 2023-06-13. Review status: criteria provided, single submitter. Criteria: GeneDx Variant Classification Process June 2021. Collection method: clinical testing. Allele origin: germline. Affected: yes.
Comment: Not observed at significant frequency in large population cohorts (gnomAD); In silico analysis supports that this missense variant does not alter protein structure/function; Has not been previously published as pathogenic or benign to our knowledge